The following is an entry in ClinVar:

ClinVar aggregate classification (germline): Uncertain significance. Review status: criteria provided, multiple submitters, no conflicts (2 of 4 stars). 3 submissions from 3 submitters: Uncertain significance (2). 1 of the submissions does not count toward it. Last evaluated 2025-03-28.

Conditions:
Inborn genetic diseases. Identifiers: MedGen C0950123, MeSH D030342.
Fanconi anemia (FA). Also called: Fanconi's anemia. Identifiers: Orphanet 84, MedGen C0015625, MeSH D005199, MONDO:0019391.

Allele frequency attached by ClinVar (database versions not stated): gnomAD 0.00001; TOPMed 0.00001.
gnomAD v4.1: 1 of 1,614,048 alleles (0.000062%); highest among the groups gnomAD compares: Non-Finnish European, 0.000085%; no homozygotes.

Submissions (3):

Ambry Genetics
Classification: Uncertain significance for Inborn genetic diseases. Last evaluated: 2025-03-28. Review status: criteria provided, single submitter. Criteria: Ambry Variant Classification Scheme 2023. Collection method: clinical testing. Allele origin: germline.
Comment: The p.E1050A variant (also known as c.3149A>C), located in coding exon 32 of the FANCA gene, results from an A to C substitution at nucleotide position 3149. The glutamic acid at codon 1050 is replaced by alanine, an amino acid with dissimilar properties. This amino acid position is conserved. In addition, this alteration is predicted to be tolerated by in silico analysis. Based on the available evidence, the clinical significance of this variant remains unclear.

Labcorp Genetics (formerly Invitae), Labcorp
Classification: Uncertain significance for Fanconi anemia. Last evaluated: 2022-08-19. Review status: criteria provided, single submitter. Criteria: Invitae Variant Classification Sherloc (09022015). Collection method: clinical testing. Allele origin: germline.
Comment: This sequence change replaces glutamic acid, which is acidic and polar, with alanine, which is neutral and non-polar, at codon 1050 of the FANCA protein (p.Glu1050Ala). This variant is not present in population databases (gnomAD no frequency). This variant has not been reported in the literature in individuals affected with FANCA-related conditions. ClinVar contains an entry for this variant (Variation ID: 567585). Advanced modeling of protein sequence and biophysical properties (such as structural, functional, and spatial information, amino acid conservation, physicochemical variation, residue mobility, and thermodynamic stability) performed at Invitae indicates that this missense variant is not expected to disrupt FANCA protein function. Algorithms developed to predict the effect of sequence changes on RNA splicing suggest that this variant may create or strengthen a splice site. In summary, the available evidence is currently insufficient to determine the role of this variant in disease. Therefore, it has been classified as a Variant of Uncertain Significance.

Natera, Inc.
Classification: Uncertain significance for Fanconi anemia. Last evaluated: 2020-07-20. Review status: no assertion criteria provided. Collection method: clinical testing. Allele origin: germline. Not counted in ClinVar's aggregate classification.

NM_000135.4(FANCA):c.3149A>C (p.Glu1050Ala)

Gene: FANCA (FA complementation group A; minus strand). Cytogenetic location: 16q24.3.
Variant type: single nucleotide variant.
Coding change: c.3149A>C on transcript NM_000135.4 (MANE Select); coding-DNA position 3149, A replaced by C.
Protein change: p.Glu1050Ala; replaces glutamic acid 1050 with alanine.
Molecular consequence: missense variant.
Genome position (GRCh38, 1-based): chr16:89,749,820, T>G on the plus strand (A>C on the coding strand, the complement: FANCA is on the minus strand). VCF-style: chr16-89749820-T-G. GRCh37 (hg19) VCF-style: chr16-89816228-T-G.
Other names: c.3149A>C (LRG_495t1); c.3149A>C, p.Glu1050Ala (NM_001286167.3); short protein forms E1050A.
Identifiers: ClinVar variation 567585 (VCV000567585.7), dbSNP rs954683462, ClinGen allele CA286625940.